The following is an entry in ClinVar:

NM_001793.6(CDH3):c.805A>C (p.Met269Leu)

Gene: CDH3 (cadherin 3; plus strand). Cytogenetic location: 16q22.1.
Variant type: single nucleotide variant.
Coding change: c.805A>C on transcript NM_001793.6 (MANE Select); coding-DNA position 805, A replaced by C.
Protein change: p.Met269Leu; replaces methionine 269 with leucine.
Molecular consequence: missense variant.
Genome position (GRCh38, 1-based): chr16:68,679,912, A>C. VCF-style: chr16-68679912-A-C. GRCh37 (hg19) VCF-style: chr16-68713815-A-C.
Other names: c.805A>C, p.Met269Leu (NM_001317195.3); c.640A>C, p.Met214Leu (NM_001317196.2); short protein forms M269L, M214L.
Identifiers: ClinVar variation 285028 (VCV000285028.66), dbSNP rs36038900, ClinGen allele CA8129145.

ClinVar aggregate classification (germline): Benign/Likely benign. Review status: criteria provided, multiple submitters, no conflicts (2 of 4 stars). 11 submissions from 11 submitters: Benign (2); Likely benign (5). 4 of the submissions do not count toward it. Last evaluated 2026-04-01.

Conditions:
CDH3-related disorder. Also called: CDH3-related condition.
EEM syndrome (EEMS). Identifiers: Orphanet 1897, MedGen C1857041, MONDO:0009155, OMIM 225280.

Allele frequency attached by ClinVar (database versions not stated): 1000 Genomes Project 0.00240; 1000 Genomes Project 30x 0.00265; gnomAD 0.00341; ESP Exome Variant Server 0.00454; TOPMed 0.00483.

Submissions (11):

CeGaT Center for Human Genetics Tuebingen
Classification: Likely benign. Last evaluated: 2026-04-01. Review status: criteria provided, single submitter. Criteria: CeGaT Center For Human Genetics Tuebingen Variant Classification Criteria Version 2. Collection method: clinical testing. Allele origin: germline. Affected: yes. Observed: 10 variant alleles.
Comment: CDH3: BS2

Labcorp Genetics (formerly Invitae), Labcorp
Classification: Benign. Last evaluated: 2026-02-01. Review status: criteria provided, single submitter. Criteria: Invitae Variant Classification Sherloc (09022015). Collection method: clinical testing. Allele origin: germline.

Blueprint Genetics
Classification: Likely benign. Last evaluated: 2024-11-27. Review status: criteria provided, single submitter. Criteria: ACMG Guidelines, 2015. Collection method: clinical testing. Allele origin: germline.

GeneDx
Classification: Benign. Last evaluated: 2020-09-25. Review status: criteria provided, single submitter. Criteria: GeneDx Variant Classification Process June 2021. Collection method: clinical testing. Allele origin: germline. Affected: yes.

Illumina Laboratory Services, Illumina
Classification: Likely benign for EEM syndrome. Last evaluated: 2018-01-13. Review status: criteria provided, single submitter. Criteria: ICSL Variant Classification Criteria 13 December 2019. Collection method: clinical testing. Allele origin: germline.
Comment: This variant was observed in the ICSL laboratory as part of a predisposition screen in an ostensibly healthy population. It had not been previously curated by ICSL or reported in the Human Gene Mutation Database (HGMD: prior to June 1st, 2018), and was therefore a candidate for classification through an automated scoring system. Utilizing variant allele frequency, disease prevalence and penetrance estimates, and inheritance mode, an automated score was calculated to assess if this variant is too frequent to cause the disease. Based on the score and internal cut-off values, a variant classified as likely benign is not then subjected to further curation. The score for this variant resulted in a classification of likely benign for this disease.

Eurofins Ntd Llc (ga)
Classification: Likely benign. Last evaluated: 2015-12-07. Review status: criteria provided, single submitter. Criteria: EGL Classification Definitions 2015. Collection method: clinical testing. Allele origin: germline. Observed: 1 variant allele, 1 heterozygote.

Breakthrough Genomics
Classification: Likely benign. Review status: criteria provided, single submitter. Criteria: ACMG Guidelines, 2015. Collection method: not provided. Allele origin: germline. Inheritance: Autosomal recessive inheritance. Affected: yes.

PreventionGenetics, part of Exact Sciences
Classification: Benign for CDH3-related condition. Last evaluated: 2019-06-05. Review status: no assertion criteria provided. Collection method: clinical testing. Allele origin: germline. Not counted in ClinVar's aggregate classification.
Comment: This variant is classified as benign based on ACMG/AMP sequence variant interpretation guidelines (Richards et al. 2015 PMID: 25741868, with internal and published modifications).

Clinical Genetics DNA and cytogenetics Diagnostics Lab, Erasmus MC, Erasmus Medical Center
Classification: Likely benign. Review status: no assertion criteria provided. Collection method: clinical testing. Allele origin: germline. Affected: yes. Study: VKGL Data-share Consensus. Not counted in ClinVar's aggregate classification.

Clinical Genetics, Academic Medical Center
Classification: Likely benign. Review status: no assertion criteria provided. Collection method: clinical testing. Allele origin: germline. Affected: yes. Study: VKGL Data-share Consensus. Not counted in ClinVar's aggregate classification.

Laboratory of Diagnostic Genome Analysis, Leiden University Medical Center (LUMC)
Classification: Likely benign. Review status: no assertion criteria provided. Collection method: clinical testing. Allele origin: germline. Affected: yes. Study: VKGL Data-share Consensus. Not counted in ClinVar's aggregate classification.